The following is an entry in ClinVar:

ClinVar aggregate classification (germline): Uncertain significance. Review status: criteria provided, multiple submitters, no conflicts (2 of 4 stars). 2 submissions from 2 submitters: Uncertain significance (2). Last evaluated 2025-01-30.

Conditions:
Charcot-Marie-Tooth disease type 2. Also called: Charcot-Marie-Tooth type 2. Identifiers: Orphanet 64746, MedGen C0270914, MONDO:0018993.

Allele frequency attached by ClinVar (database versions not stated): gnomAD 0.00001; TOPMed below 0.00001.
gnomAD v4.1: 27 of 1,607,082 alleles (0.0017%); highest among the groups gnomAD compares: South Asian, 0.0055%; no homozygotes.

Submissions (2):

Ambry Genetics
Classification: Uncertain significance. Last evaluated: 2025-01-30. Review status: criteria provided, single submitter. Criteria: Ambry Variant Classification Scheme 2023. Collection method: clinical testing. Allele origin: germline.
Comment: The p.R1757Q variant (also known as c.5270G>A), located in coding exon 45 of the KIF1B gene, results from a G to A substitution at nucleotide position 5270. The amino acid change results in arginine to glutamine at codon 1757, an amino acid with highly similar properties. However, this change occurs in the last base pair of coding exon 45, which makes it likely to have some effect on normal mRNA splicing. This nucleotide position is highly conserved in available vertebrate species. This amino acid position is highly conserved in available vertebrate species. In silico splice site analysis predicts that this alteration will not have any significant effect on splicing. In addition, this alteration is predicted to be deleterious by in silico analysis. The evidence for this gene-disease relationship is limited; therefore, the clinical significance of this alteration is unclear.

Labcorp Genetics (formerly Invitae), Labcorp
Classification: Uncertain significance for Charcot-Marie-Tooth disease type 2. Last evaluated: 2024-03-06. Review status: criteria provided, single submitter. Criteria: Invitae Variant Classification Sherloc (09022015). Collection method: clinical testing. Allele origin: germline.
Comment: This sequence change replaces arginine, which is basic and polar, with glutamine, which is neutral and polar, at codon 1757 of the KIF1B protein (p.Arg1757Gln). This variant also falls at the last nucleotide of exon 46, which is part of the consensus splice site for this exon. This variant is present in population databases (no rsID available, gnomAD 0.01%). This variant has not been reported in the literature in individuals affected with KIF1B-related conditions. ClinVar contains an entry for this variant (Variation ID: 1746514). An algorithm developed to predict the effect of missense changes on protein structure and function (PolyPhen-2) suggests that this variant is likely to be disruptive. Variants that disrupt the consensus splice site are a relatively common cause of aberrant splicing (PMID: 17576681, 9536098). In summary, the available evidence is currently insufficient to determine the role of this variant in disease. Therefore, it has been classified as a Variant of Uncertain Significance.

Literature cited by the submitters: PubMed 17576681 (cited by Labcorp Genetics (formerly Invitae), Labcorp); PubMed 9536098 (cited by Labcorp Genetics (formerly Invitae), Labcorp).

NM_001365951.3(KIF1B):c.5408G>A (p.Arg1803Gln)

Gene: KIF1B (kinesin family member 1B; plus strand). Cytogenetic location: 1p36.22.
Variant type: single nucleotide variant.
Coding change: c.5408G>A on transcript NM_001365951.3 (MANE Select); coding-DNA position 5408, G replaced by A.
Protein change: p.Arg1803Gln; replaces arginine 1803 with glutamine.
Molecular consequence: missense variant.
Genome position (GRCh38, 1-based): chr1:10,375,373, G>A. VCF-style: chr1-10375373-G-A. GRCh37 (hg19) VCF-style: chr1-10435431-G-A.
Other names: c.5408G>A, p.Arg1803Gln (NM_001365952.1); c.5270G>A, p.Arg1757Gln (NM_015074.3); short protein forms R1803Q, R1757Q.
Identifiers: ClinVar variation 1746514 (VCV001746514.10), dbSNP rs1010276300, ClinGen allele CA17856669.